The following is an entry in ClinVar:

ClinVar aggregate classification (germline): Uncertain significance (1 of 4 stars; one submission).

Conditions:
Hereditary cancer-predisposing syndrome. Also called: Hereditary neoplastic syndrome; Neoplastic Syndromes, Hereditary; Tumor predisposition; Hereditary Cancer Syndrome. Identifiers: Orphanet 140162, MedGen C0027672, MeSH D009386, MONDO:0015356.

Submission:

Ambry Genetics
Classification: Uncertain significance for Hereditary cancer-predisposing syndrome. Last evaluated: 2023-10-03. Review status: criteria provided, single submitter. Criteria: Ambry Variant Classification Scheme 2023. Collection method: clinical testing. Allele origin: germline.
Comment: The c.193+3A>G intronic variant results from an A to G substitution 3 nucleotides after coding exon 1&beta; in the p14 isoform of the CDKN2A gene. This alteration was described in a family affected with cutaneous melanoma, and was also reported to result in aberrant splicing in this same publication (Harland M et al. Oncogene, 2005 Jun;24:4604-8). This nucleotide position is highly conserved in available vertebrate species. In silico splice site analysis for this alteration is inconclusive; and direct evidence of a splicing impact is insufficient at this time (Ambry internal data). Another alteration impacting the same donor site (c.193+5G>A) has been reported to segregate with melanoma in one family in the literature (Djursby M et al. Ugeskr. Laeg., 2014 Sep;176; Wadt KA et al. PLoS ONE, 2015 Mar;10:e0122662), and other alterations impacting this splice donor site have been reported in cutaneous melanoma families (Harland M et al. Oncogene, 2005 Jun;24:4604-8). Since supporting evidence is limited at this time, the clinical significance of this alteration remains unclear.

NM_058195.4(CDKN2A):c.193+3A>G

Gene: CDKN2A (cyclin dependent kinase inhibitor 2A; minus strand). Cytogenetic location: 9p21.3.
Variant type: single nucleotide variant.
Coding change: c.193+3A>G on transcript NM_058195.4 (MANE Plus Clinical); 3 bases into the intron after coding-DNA position 193, A replaced by G.
Molecular consequence: intron variant.
Genome position (GRCh38, 1-based): chr9:21,994,136, T>C on the plus strand (A>G on the coding strand, the complement: CDKN2A is on the minus strand). VCF-style: chr9-21994136-T-C. GRCh37 (hg19) VCF-style: chr9-21994135-T-C.
Other names: c.-4+685A>G (NM_001363763.2).
Identifiers: ClinVar variation 1782874 (VCV001782874.2), dbSNP rs2131147939, ClinGen allele CA2580080291.